The following is an entry in ClinVar:

NM_201596.3(CACNB2):c.1975C>T (p.Arg659Cys)

Gene: CACNB2 (calcium voltage-gated channel auxiliary subunit beta 2; plus strand). Cytogenetic location: 10p12.31.
Variant type: single nucleotide variant.
Coding change: c.1975C>T on transcript NM_201596.3 (MANE Select); coding-DNA position 1975, C replaced by T.
Protein change: p.Arg659Cys; replaces arginine 659 with cysteine.
Molecular consequence: missense variant.
Genome position (GRCh38, 1-based): chr10:18,539,716, C>T. VCF-style: chr10-18539716-C-T. GRCh37 (hg19) VCF-style: chr10-18828645-C-T.
Other names: p.R604C:CGC>TGC; c.1810C>T, p.Arg604Cys (NM_000724.4); c.1777C>T, p.Arg593Cys (NM_001167945.2); c.1696C>T, p.Arg566Cys (NM_001330060.2); c.1831C>T, p.Arg611Cys (NM_201570.3); c.1891C>T, p.Arg631Cys (NM_201571.4); c.1819C>T, p.Arg607Cys (NM_201572.4); c.1813C>T, p.Arg605Cys (NM_201590.3); and 2 more; short protein forms R604C, R605C, R659C, R607C, R621C, R631C, R566C, R611C.
Identifiers: ClinVar variation 190718 (VCV000190718.23), dbSNP rs77141223, ClinGen allele CA301827.

ClinVar aggregate classification (germline): Likely benign. Review status: criteria provided, multiple submitters, no conflicts (2 of 4 stars). 5 submissions from 5 submitters: Likely benign (4). 1 of the submissions does not count toward it. Last evaluated 2026-01-06.

Conditions:
CACNB2-related disorder. Also called: CACNB2-related condition.
Cardiovascular phenotype. Identifiers: MedGen CN230736.
Brugada syndrome 4 (BRGDA4). Identifiers: Orphanet 130, MedGen C2678477, MONDO:0012743, OMIM 611876.

Allele frequency attached by ClinVar (database versions not stated): gnomAD exomes 0.00013 and 0.00025; ExAC 0.00033; 1000 Genomes Project 30x 0.00094; 1000 Genomes Project 0.00100; ESP Exome Variant Server 0.00100; gnomAD 0.00105 and 0.00115; TOPMed 0.00135.
gnomAD v4.1: 359 of 1,605,158 alleles (0.022%); highest among the groups gnomAD compares: African/African-American, 0.37%; 1 homozygote.

Submissions (5):

Labcorp Genetics (formerly Invitae), Labcorp
Classification: Likely benign for Brugada syndrome 4. Last evaluated: 2026-01-06. Review status: criteria provided, single submitter. Criteria: Invitae Variant Classification Sherloc (09022015). Collection method: clinical testing. Allele origin: germline.

Women's Health and Genetics/Laboratory Corporation of America, LabCorp
Classification: Likely benign. Last evaluated: 2025-09-08. Review status: criteria provided, single submitter. Criteria: LabCorp Variant Classification Summary - May 2015. Collection method: clinical testing. Allele origin: germline.

GeneDx
Classification: Likely benign. Last evaluated: 2019-11-27. Review status: criteria provided, single submitter. Criteria: GeneDx Variant Classification Process June 2021. Collection method: clinical testing. Allele origin: germline. Affected: yes.

Ambry Genetics
Classification: Likely benign for Cardiovascular phenotype. Last evaluated: 2018-04-17. Review status: criteria provided, single submitter. Criteria: Ambry Variant Classification Scheme 2023. Collection method: clinical testing. Allele origin: germline.

PreventionGenetics, part of Exact Sciences
Classification: Likely benign for CACNB2-related condition. Last evaluated: 2022-08-22. Review status: no assertion criteria provided. Collection method: clinical testing. Allele origin: germline. Not counted in ClinVar's aggregate classification.
Comment: This variant is classified as likely benign based on ACMG/AMP sequence variant interpretation guidelines (Richards et al. 2015 PMID: 25741868, with internal and published modifications).